The following is an entry in ClinVar:

NM_000748.3(CHRNB2):c.648del (p.Asp217fs)

Gene: CHRNB2 (cholinergic receptor nicotinic beta 2 subunit; plus strand). Cytogenetic location: 1q21.3.
Variant type: Deletion.
Coding change: c.648del on transcript NM_000748.3 (MANE Select); coding-DNA position 648, one base deleted (C; older notation c.648delC).
Protein change: p.Asp217fs; shifts the reading frame from aspartic acid 217.
Molecular consequence: frameshift variant.
Genome position (GRCh38, 1-based): chr1:154,571,471, C deleted; the last of 4 consecutive C bases (chr1:154,571,468-154,571,471); deleting any one gives the same sequence. VCF-style (leftmost placement, unchanged base first): chr1-154571467-AC-A. GRCh37 (hg19) VCF-style: chr1-154543943-AC-A.
Other names: short protein forms D217fs.
Identifiers: ClinVar variation 1054597 (VCV001054597.7), dbSNP rs2101520745, ClinGen allele CA2499214194.

ClinVar aggregate classification (germline): Uncertain significance (1 of 4 stars; one submission).

Conditions:
Familial sleep-related hypermotor epilepsy. Also called: Autosomal Dominant Sleep-Related Hypermotor (Hyperkinetic) Epilepsy. Identifiers: Orphanet 98784, MedGen C3696898, MONDO:0000030.

Submission:

Labcorp Genetics (formerly Invitae), Labcorp
Classification: Uncertain significance. Last evaluated: 2020-08-19. Review status: criteria provided, single submitter. Criteria: Invitae Variant Classification Sherloc (09022015). Collection method: clinical testing. Allele origin: germline.
Comment: This variant is not present in population databases (ExAC no frequency). In summary, the available evidence is currently insufficient to determine the role of this variant in disease. Therefore, it has been classified as a Variant of Uncertain Significance. The current clinical and genetic evidence is not sufficient to establish whether loss-of-function variants in CHRNB2 cause disease. This variant has not been reported in the literature in individuals with CHRNB2-related conditions. This sequence change creates a premature translational stop signal (p.Asp217Thrfs*35) in the CHRNB2 gene. It is expected to result in an absent or disrupted protein product.